The following is an entry in ClinVar:

ClinVar aggregate classification (germline): Likely benign. Review status: criteria provided, multiple submitters, no conflicts (2 of 4 stars). 3 submissions from 3 submitters: Likely benign (2). 1 of the submissions does not count toward it. Last evaluated 2025-11-26.

Conditions:
GSN-related disorder. Also called: GSN-related condition.
Finnish type amyloidosis. Also called: AMYLOIDOSIS, HEREDITARY SYSTEMIC 4, FINNISH TYPE; Amyloidosis, familial, Finnish type; Meretoja type amyloidosis; Amyloidosis 5; Lattice corneal dystrophy associated with familial systemic amyloidosis; Meretoja's syndrome. Identifiers: Orphanet 85448, MedGen C1622345, MONDO:0007097, OMIM 105120.

Allele frequency attached by ClinVar (database versions not stated): gnomAD 0.00002 and 0.00003; gnomAD exomes 0.00011; ExAC 0.00012.

Submissions (3):

Labcorp Genetics (formerly Invitae), Labcorp
Classification: Likely benign. Last evaluated: 2025-11-26. Review status: criteria provided, single submitter. Criteria: Invitae Variant Classification Sherloc (09022015). Collection method: clinical testing. Allele origin: germline.

Fulgent Genetics
Classification: Likely benign for Finnish type amyloidosis. Last evaluated: 2021-12-29. Review status: criteria provided, single submitter. Criteria: ACMG Guidelines, 2015. Collection method: clinical testing. Allele origin: unknown.

PreventionGenetics, part of Exact Sciences
Classification: Likely benign for GSN-related condition. Last evaluated: 2019-06-25. Review status: no assertion criteria provided. Collection method: clinical testing. Allele origin: germline. Not counted in ClinVar's aggregate classification.
Comment: This variant is classified as likely benign based on ACMG/AMP sequence variant interpretation guidelines (Richards et al. 2015 PMID: 25741868, with internal and published modifications).

NM_198252.3(GSN):c.2040C>T (p.Ile680=)

Gene: GSN (gelsolin; plus strand). Cytogenetic location: 9q33.2.
Variant type: single nucleotide variant.
Coding change: c.2040C>T on transcript NM_198252.3 (MANE Select); coding-DNA position 2040, C replaced by T.
Protein change: p.Ile680=; no amino-acid change (isoleucine 680 retained).
Molecular consequence: synonymous variant.
Genome position (GRCh38, 1-based): chr9:121,332,447, C>T. VCF-style: chr9-121332447-C-T. GRCh37 (hg19) VCF-style: chr9-124094725-C-T.
Other names: c.2193C>T, p.Ile731= (NM_000177.5); c.2040C>T, p.Ile680= (NM_001127662.2, NM_001127664.2, NM_001127665.2 and 10 more transcripts); c.2148C>T, p.Ile716= (NM_001127663.2); c.2073C>T, p.Ile691= (NM_001127666.2, NM_001127667.2, NM_001353071.2 and 13 more transcripts); c.2091C>T, p.Ile697= (NM_001258029.2); c.2064C>T, p.Ile688= (NM_001258030.2); c.2112C>T, p.Ile704= (NM_001353076.2); c.2193C>T (NM_000177.4); and 1 more.
Identifiers: ClinVar variation 1583829 (VCV001583829.11), dbSNP rs758909359, ClinGen allele CA5221527.
Genomic context (GRCh38, chr9:121,332,447, plus strand): 5'-GCACTAAGAATTCCTGGGGTTTCCTTTTCTTGCACGTGTGTCTGCAGCTAAGCGGTACAT[C>T]GAGACGGACCCAGCCAATCGGGATCGGCGGACGCCCATCACCGTGGTGAAGCAAGGCTTT-3'
Protein context (NP_937895.1, residues 670-690): TEALTSAKRY[Ile680=]ETDPANRDRR